The following is an entry in ClinVar:

NM_024529.5(CDC73):c.1137C>G (p.Asp379Glu)

Gene: CDC73 (cell division cycle 73; plus strand). Cytogenetic location: 1q31.2.
Variant type: single nucleotide variant.
Coding change: c.1137C>G on transcript NM_024529.5 (MANE Select); coding-DNA position 1137, C replaced by G.
Protein change: p.Asp379Glu; replaces aspartic acid 379 with glutamic acid.
Molecular consequence: missense variant.
Genome position (GRCh38, 1-based): chr1:193,212,460, C>G. VCF-style: chr1-193212460-C-G. GRCh37 (hg19) VCF-style: chr1-193181590-C-G.
Other names: short protein forms D379E.
Identifiers: ClinVar variation 403889 (VCV000403889.16), dbSNP rs774536123, ClinGen allele CA1303777.

ClinVar aggregate classification (germline): Conflicting classifications of pathogenicity. Review status: criteria provided, conflicting classifications (1 of 4 stars). 5 submissions from 5 submitters: Uncertain significance (4); Likely benign (1). Last evaluated 2025-03-04.

Conditions:
Hereditary cancer-predisposing syndrome. Also called: Neoplastic Syndromes, Hereditary; Hereditary Cancer Syndrome; Tumor predisposition; Hereditary neoplastic syndrome. Identifiers: Orphanet 140162, MedGen C0027672, MeSH D009386, MONDO:0015356.
Hyperparathyroidism 1 (HRPT1). Also called: HYPERPARATHYROIDISM, FAMILIAL ISOLATED PRIMARY. Identifiers: Orphanet 99879, MedGen C1840402, MONDO:0007767, OMIM 145000.
Parathyroid carcinoma (PRTC). Also called: CDC73-Related Parathyroid Carcinoma; Parathyroid gland carcinoma. Identifiers: Orphanet 143, MedGen C0687150, MONDO:0012004, OMIM 608266, HP:0006780.

Allele frequency attached by ClinVar (database versions not stated): gnomAD 0.00001; gnomAD exomes 0.00001 and 0.00002; ExAC 0.00002; TOPMed 0.00002.
gnomAD v4.1: 18 of 1,593,968 alleles (0.0011%); highest among the groups gnomAD compares: Admixed American, 0.0017%; no homozygotes.

Submissions (5):

Center for Genomic Medicine, Rigshospitalet, Copenhagen University Hospital
Classification: Uncertain significance. Last evaluated: 2025-03-04. Review status: criteria provided, single submitter. Criteria: ACMG Guidelines, 2015. Collection method: clinical testing. Allele origin: germline.

Labcorp Genetics (formerly Invitae), Labcorp
Classification: Uncertain significance for Parathyroid carcinoma. Last evaluated: 2025-01-17. Review status: criteria provided, single submitter. Criteria: Invitae Variant Classification Sherloc (09022015). Collection method: clinical testing. Allele origin: germline.
Comment: This sequence change replaces aspartic acid, which is acidic and polar, with glutamic acid, which is acidic and polar, at codon 379 of the CDC73 protein (p.Asp379Glu). This variant is present in population databases (rs774536123, gnomAD 0.004%). This variant has not been reported in the literature in individuals affected with CDC73-related conditions. ClinVar contains an entry for this variant (Variation ID: 403889). Invitae Evidence Modeling of protein sequence and biophysical properties (such as structural, functional, and spatial information, amino acid conservation, physicochemical variation, residue mobility, and thermodynamic stability) indicates that this missense variant is not expected to disrupt CDC73 protein function with a negative predictive value of 80%. In summary, the available evidence is currently insufficient to determine the role of this variant in disease. Therefore, it has been classified as a Variant of Uncertain Significance.

Baylor Genetics
Classification: Uncertain significance for Hyperparathyroidism 1. Last evaluated: 2024-01-16. Review status: criteria provided, single submitter. Criteria: ACMG Guidelines, 2015. Collection method: clinical testing. Allele origin: unknown.

GeneDx
Classification: Uncertain significance. Last evaluated: 2023-05-25. Review status: criteria provided, single submitter. Criteria: GeneDx Variant Classification Process June 2021. Collection method: clinical testing. Allele origin: germline. Affected: yes.
Comment: Not observed at significant frequency in large population cohorts (gnomAD); In silico analysis supports that this missense variant does not alter protein structure/function; Has not been previously published as pathogenic or benign to our knowledge; This variant is associated with the following publications: (PMID: 30019023, 15632063)

Ambry Genetics
Classification: Likely benign for Hereditary cancer-predisposing syndrome. Last evaluated: 2022-02-22. Review status: criteria provided, single submitter. Criteria: Ambry Variant Classification Scheme 2023. Collection method: clinical testing. Allele origin: germline.